The following is an entry in ClinVar:

ClinVar aggregate classification (germline): Pathogenic/Likely pathogenic. Review status: criteria provided, multiple submitters, no conflicts (2 of 4 stars). 2 submissions from 2 submitters: Pathogenic (1); Likely pathogenic (1). Last evaluated 2023-06-20.

Conditions:
Cerebrooculofacioskeletal syndrome 2 (COFS2). Identifiers: MedGen C1853102, MONDO:0012553, OMIM 610756.

gnomAD v4.1: 1 of 1,613,564 alleles (0.000062%); highest among the groups gnomAD compares: Non-Finnish European, 0.000085%; no homozygotes.

Submissions (2):

Labcorp Genetics (formerly Invitae), Labcorp
Classification: Pathogenic. Last evaluated: 2023-06-20. Review status: criteria provided, single submitter. Criteria: Invitae Variant Classification Sherloc (09022015). Collection method: clinical testing. Allele origin: germline.
Comment: This sequence change affects a donor splice site in intron 22 of the ERCC2 gene. While this variant is not anticipated to result in nonsense mediated decay, it likely alters RNA splicing and results in a disrupted protein product. This variant is present in population databases (no rsID available, gnomAD 0.0009%). This variant has not been reported in the literature in individuals affected with ERCC2-related conditions. Variants that disrupt the consensus splice site are a relatively common cause of aberrant splicing (PMID: 17576681, 9536098). Algorithms developed to predict the effect of sequence changes on RNA splicing suggest that this variant may disrupt the consensus splice site. This variant disrupts a region of the ERCC2 protein in which other variant(s) (p.Glu731Argfs*14) have been determined to be pathogenic (PMID: 7920640, 18470933). This suggests that this is a clinically significant region of the protein, and that variants that disrupt it are likely to be disease-causing. For these reasons, this variant has been classified as Pathogenic.

Baylor Genetics
Classification: Likely pathogenic for Cerebrooculofacioskeletal syndrome 2. Last evaluated: 2022-06-01. Review status: criteria provided, single submitter. Criteria: ACMG Guidelines, 2015. Collection method: clinical testing. Allele origin: unknown.

Literature cited by the submitters: PubMed 17576681 (cited by Labcorp Genetics (formerly Invitae), Labcorp); PubMed 9536098 (cited by Labcorp Genetics (formerly Invitae), Labcorp); PubMed 7920640 (cited by Labcorp Genetics (formerly Invitae), Labcorp); PubMed 18470933 (cited by Labcorp Genetics (formerly Invitae), Labcorp).

NM_000400.4(ERCC2):c.2190+1G>T

Gene: ERCC2 (ERCC excision repair 2, TFIIH core complex helicase subunit; minus strand). Cytogenetic location: 19q13.32.
Variant type: single nucleotide variant.
Coding change: c.2190+1G>T on transcript NM_000400.4 (MANE Select); the canonical splice donor site of the intron after coding-DNA position 2190, G replaced by T.
Molecular consequence: splice donor variant.
Genome position (GRCh38, 1-based): chr19:45,352,208, C>A on the plus strand (G>T on the coding strand, the complement: ERCC2 is on the minus strand). VCF-style: chr19-45352208-C-A. GRCh37 (hg19) VCF-style: chr19-45855466-C-A.
Identifiers: ClinVar variation 2675069 (VCV002675069.4), dbSNP rs921743604, ClinGen allele CA406360822.